The following is an entry in ClinVar:

NM_002226.5(JAG2):c.1746C>T (p.Ala582=)

Gene: JAG2 (jagged canonical Notch ligand 2; minus strand). Cytogenetic location: 14q32.33.
Variant type: single nucleotide variant.
Coding change: c.1746C>T on transcript NM_002226.5 (MANE Select); coding-DNA position 1746, C replaced by T.
Protein change: p.Ala582=; no amino-acid change (alanine 582 retained).
Molecular consequence: synonymous variant.
Genome position (GRCh38, 1-based): chr14:105,149,177, G>A on the plus strand (C>T on the coding strand, the complement: JAG2 is on the minus strand). VCF-style: chr14-105149177-G-A. GRCh37 (hg19) VCF-style: chr14-105615514-G-A.
Other names: c.1632C>T, p.Ala544= (NM_145159.3).
Identifiers: ClinVar variation 733451 (VCV000733451.28), dbSNP rs368778866, ClinGen allele CA7385903.

ClinVar aggregate classification (germline): Likely benign. Review status: criteria provided, multiple submitters, no conflicts (2 of 4 stars). 3 submissions from 3 submitters: Likely benign (3). Last evaluated 2026-04-01.

Allele frequency attached by ClinVar (database versions not stated): TOPMed 0.00008; ESP Exome Variant Server 0.00015; gnomAD 0.00015; gnomAD exomes 0.00018; ExAC 0.00027.
gnomAD v4.1: 299 of 1,539,998 alleles (0.019%); highest among the groups gnomAD compares: Non-Finnish European, 0.023%; no homozygotes.

Submissions (3):

CeGaT Center for Human Genetics Tuebingen
Classification: Likely benign. Last evaluated: 2026-04-01. Review status: criteria provided, single submitter. Criteria: CeGaT Center For Human Genetics Tuebingen Variant Classification Criteria Version 2. Collection method: clinical testing. Allele origin: germline. Affected: yes. Observed: 2 variant alleles.
Comment: JAG2: BP4, BP7

Laboratory of Genetics, Children's Clinical University Hospital Latvia
Classification: Likely benign. Last evaluated: 2025-02-16. Review status: criteria provided, single submitter. Criteria: ACMG Guidelines, 2015. Collection method: clinical testing. Allele origin: germline. Affected: yes.

Labcorp Genetics (formerly Invitae), Labcorp
Classification: Likely benign. Last evaluated: 2018-12-11. Review status: criteria provided, single submitter. Criteria: Invitae Variant Classification Sherloc (09022015). Collection method: clinical testing. Allele origin: germline.